The following is an entry in ClinVar:

ClinVar aggregate classification (germline): Uncertain significance. Review status: criteria provided, multiple submitters, no conflicts (2 of 4 stars). 5 submissions from 5 submitters: Uncertain significance (4). 1 of the submissions does not count toward it. Last evaluated 2025-08-18.

Conditions:
Alstrom syndrome (ALMS). Identifiers: Orphanet 64, MedGen C0268425, MONDO:0008763, OMIM 203800.

Allele frequency attached by ClinVar (database versions not stated): gnomAD 0.00001; gnomAD exomes 0.00001; TOPMed 0.00001; ExAC 0.00002.
gnomAD v4.1: 10 of 1,614,028 alleles (0.00062%); highest among the groups gnomAD compares: Non-Finnish European, 0.00076%; no homozygotes.

Submissions (5):

GeneDx
Classification: Uncertain significance. Last evaluated: 2025-08-18. Review status: criteria provided, single submitter. Criteria: GeneDx Variant Classification Process June 2021. Collection method: clinical testing. Allele origin: germline. Affected: yes.
Comment: Not observed at significant frequency in large population cohorts (gnomAD); In silico analysis supports that this missense variant has a deleterious effect on protein structure/function; In silico analysis supports a deleterious effect on splicing; Has not been previously published as pathogenic or benign to our knowledge

Labcorp Genetics (formerly Invitae), Labcorp
Classification: Uncertain significance for Alstrom syndrome. Last evaluated: 2022-09-01. Review status: criteria provided, single submitter. Criteria: Invitae Variant Classification Sherloc (09022015). Collection method: clinical testing. Allele origin: germline.
Comment: This sequence change replaces tyrosine, which is neutral and polar, with cysteine, which is neutral and slightly polar, at codon 4143 of the ALMS1 protein (p.Tyr4143Cys). This variant is present in population databases (rs775032572, gnomAD 0.002%). This variant has not been reported in the literature in individuals affected with ALMS1-related conditions. ClinVar contains an entry for this variant (Variation ID: 424571). Experimental studies and prediction algorithms are not available or were not evaluated, and the functional significance of this variant is currently unknown. Algorithms developed to predict the effect of sequence changes on RNA splicing suggest that this variant may create or strengthen a splice site. In summary, the available evidence is currently insufficient to determine the role of this variant in disease. Therefore, it has been classified as a Variant of Uncertain Significance.

Fulgent Genetics
Classification: Uncertain significance for Alstrom syndrome. Last evaluated: 2021-09-28. Review status: criteria provided, single submitter. Criteria: ACMG Guidelines, 2015. Collection method: clinical testing. Allele origin: unknown.

Genome-Nilou Lab
Classification: Uncertain significance for Alstrom syndrome. Last evaluated: 2021-07-14. Review status: criteria provided, single submitter. Criteria: ACMG Guidelines, 2015. Collection method: clinical testing. Allele origin: germline. Affected: no.

Natera, Inc.
Classification: Uncertain significance for Alstrom syndrome. Last evaluated: 2021-10-13. Review status: no assertion criteria provided. Collection method: clinical testing. Allele origin: germline. Not counted in ClinVar's aggregate classification.

NM_001378454.1(ALMS1):c.12425A>G (p.Tyr4142Cys)

Gene: ALMS1 (ALMS1 centrosome and basal body associated protein; plus strand). Cytogenetic location: 2p13.1.
Variant type: single nucleotide variant.
Coding change: c.12425A>G on transcript NM_001378454.1 (MANE Select); coding-DNA position 12425, A replaced by G.
Protein change: p.Tyr4142Cys; replaces tyrosine 4142 with cysteine.
Molecular consequence: missense variant.
Genome position (GRCh38, 1-based): chr2:73,608,537, A>G. VCF-style: chr2-73608537-A-G. GRCh37 (hg19) VCF-style: chr2-73835664-A-G.
Other names: c.12428A>G, p.Tyr4143Cys (NM_015120.4); short protein forms Y4143C, Y4142C.
Identifiers: ClinVar variation 424571 (VCV000424571.14), dbSNP rs775032572, ClinGen allele CA1715575.